The following is an entry in ClinVar:

NM_139319.3(SLC17A8):c.1559G>T (p.Cys520Phe)

Gene: SLC17A8 (solute carrier family 17 member 8; plus strand). Cytogenetic location: 12q23.1.
Variant type: single nucleotide variant.
Coding change: c.1559G>T on transcript NM_139319.3 (MANE Select); coding-DNA position 1559, G replaced by T.
Protein change: p.Cys520Phe; replaces cysteine 520 with phenylalanine.
Molecular consequence: missense variant.
Genome position (GRCh38, 1-based): chr12:100,419,948, G>T. VCF-style: chr12-100419948-G-T. GRCh37 (hg19) VCF-style: chr12-100813726-G-T.
Other names: p.Cys520Phe; c.1409G>T, p.Cys470Phe (NM_001145288.2); c.1559G>T (NM_139319.2); short protein forms C520F, C470F.
Identifiers: ClinVar variation 595326 (VCV000595326.14), dbSNP rs368831665, ClinGen allele CA6739053.

ClinVar aggregate classification (germline): Uncertain significance. Review status: criteria provided, multiple submitters, no conflicts (2 of 4 stars). 4 submissions from 4 submitters: Uncertain significance (4). Last evaluated 2025-08-13.

Conditions:
Inborn genetic diseases. Identifiers: MedGen C0950123, MeSH D030342.

Allele frequency attached by ClinVar (database versions not stated): ExAC 0.00002; gnomAD exomes 0.00002; TOPMed 0.00003; gnomAD 0.00004; ESP Exome Variant Server 0.00008.
gnomAD v4.1: 35 of 1,614,044 alleles (0.0022%); highest among the groups gnomAD compares: African/African-American, 0.008%; no homozygotes.

Submissions (4):

Ambry Genetics
Classification: Uncertain significance for Inborn genetic diseases. Last evaluated: 2025-08-13. Review status: criteria provided, single submitter. Criteria: Ambry Variant Classification Scheme 2023. Collection method: clinical testing. Allele origin: germline.

Labcorp Genetics (formerly Invitae), Labcorp
Classification: Uncertain significance. Last evaluated: 2024-07-12. Review status: criteria provided, single submitter. Criteria: Invitae Variant Classification Sherloc (09022015). Collection method: clinical testing. Allele origin: germline.
Comment: This sequence change replaces cysteine, which is neutral and slightly polar, with phenylalanine, which is neutral and non-polar, at codon 520 of the SLC17A8 protein (p.Cys520Phe). This variant is present in population databases (rs368831665, gnomAD 0.02%). This variant has not been reported in the literature in individuals affected with SLC17A8-related conditions. ClinVar contains an entry for this variant (Variation ID: 595326). An algorithm developed to predict the effect of missense changes on protein structure and function (PolyPhen-2) suggests that this variant is likely to be disruptive. In summary, the available evidence is currently insufficient to determine the role of this variant in disease. Therefore, it has been classified as a Variant of Uncertain Significance.

Mayo Clinic Laboratories, Mayo Clinic
Classification: Uncertain significance. Last evaluated: 2023-02-22. Review status: criteria provided, single submitter. Criteria: ACMG Guidelines, 2015. Collection method: clinical testing. Allele origin: germline. Observed: 1 variant allele.

Eurofins Ntd Llc (ga)
Classification: Uncertain significance. Last evaluated: 2017-12-21. Review status: criteria provided, single submitter. Criteria: EGL Classification Definitions 2015. Collection method: clinical testing. Allele origin: germline. Observed: 1 variant allele, 1 heterozygote.